The following is an entry in ClinVar:

NM_016247.4(IMPG2):c.2989G>A (p.Ala997Thr)

Gene: IMPG2 (interphotoreceptor matrix proteoglycan 2; minus strand). Cytogenetic location: 3q12.3.
Variant type: single nucleotide variant.
Coding change: c.2989G>A on transcript NM_016247.4 (MANE Select); coding-DNA position 2989, G replaced by A.
Protein change: p.Ala997Thr; replaces alanine 997 with threonine.
Molecular consequence: missense variant.
Genome position (GRCh38, 1-based): chr3:101,242,721, C>T on the plus strand (G>A on the coding strand, the complement: IMPG2 is on the minus strand). VCF-style: chr3-101242721-C-T. GRCh37 (hg19) VCF-style: chr3-100961565-C-T.
Other names: short protein forms A997T.
Identifiers: ClinVar variation 842719 (VCV000842719.7), dbSNP rs149304893, ClinGen allele CA2518868.

ClinVar aggregate classification (germline): Uncertain significance. Review status: criteria provided, multiple submitters, no conflicts (2 of 4 stars). 3 submissions from 3 submitters: Uncertain significance (3). Last evaluated 2026-08-24.

Conditions:
IMPG2-related disorder. Also called: IMPG2-related condition.

Allele frequency attached by ClinVar (database versions not stated): ExAC 0.00003; gnomAD 0.00003 and 0.00004; gnomAD exomes 0.00004; TOPMed 0.00005; ESP Exome Variant Server 0.00015.
gnomAD v4.1: 186 of 1,613,678 alleles (0.012%); highest among the groups gnomAD compares: Non-Finnish European, 0.016%; 1 homozygote.

Submissions (3):

PreventionGenetics, part of Exact Sciences
Classification: Uncertain significance for IMPG2-related condition. Last evaluated: 2026-08-24. Review status: criteria provided, single submitter. Criteria: ACMG Guidelines, 2015. Collection method: clinical testing. Allele origin: germline.
Comment: The IMPG2 c.2989G>A variant is predicted to result in the amino acid substitution p.Ala997Thr. To our knowledge, this variant has not been reported in the literature. This variant is reported in 0.0070% of alleles in individuals of European (Non-Finnish) descent in gnomAD. At this time, the clinical significance of this variant is uncertain due to the absence of conclusive functional and genetic evidence.

Blueprint Genetics
Classification: Uncertain significance. Last evaluated: 2024-11-13. Review status: criteria provided, single submitter. Criteria: ACMG Guidelines, 2015. Collection method: clinical testing. Allele origin: germline.

Labcorp Genetics (formerly Invitae), Labcorp
Classification: Uncertain significance. Last evaluated: 2022-08-16. Review status: criteria provided, single submitter. Criteria: Invitae Variant Classification Sherloc (09022015). Collection method: clinical testing. Allele origin: germline.
Comment: This sequence change replaces alanine, which is neutral and non-polar, with threonine, which is neutral and polar, at codon 997 of the IMPG2 protein (p.Ala997Thr). This variant is present in population databases (rs149304893, gnomAD 0.007%), including at least one homozygous and/or hemizygous individual. This variant has not been reported in the literature in individuals affected with IMPG2-related conditions. ClinVar contains an entry for this variant (Variation ID: 842719). Algorithms developed to predict the effect of missense changes on protein structure and function are either unavailable or do not agree on the potential impact of this missense change (SIFT: "Tolerated"; PolyPhen-2: "Possibly Damaging"; Align-GVGD: "Class C0"). In summary, the available evidence is currently insufficient to determine the role of this variant in disease. Therefore, it has been classified as a Variant of Uncertain Significance.